The following is an entry in ClinVar:

ClinVar aggregate classification (germline): Uncertain significance (1 of 4 stars; one submission).

Submission:

Ambry Genetics
Classification: Uncertain significance. Last evaluated: 2025-05-29. Review status: criteria provided, single submitter. Criteria: Ambry Variant Classification Scheme 2023. Collection method: clinical testing. Allele origin: germline.
Comment: The p.E999A variant (also known as c.2996A>C), located in coding exon 1 of the TET2 gene, results from an A to C substitution at nucleotide position 2996. The glutamic acid at codon 999 is replaced by alanine, an amino acid with dissimilar properties. This amino acid position is conserved. In addition, this alteration is predicted to be tolerated by in silico analysis. Based on the available evidence, the clinical significance of this variant remains unclear.

NM_001127208.3(TET2):c.2996A>C (p.Glu999Ala)

Genes: TET2 (tet methylcytosine dioxygenase 2; plus strand), TET2-AS1 (TET2 antisense RNA 1; minus strand). Cytogenetic location: 4q24.
Variant type: single nucleotide variant.
Coding change: c.2996A>C on transcript NM_001127208.3 (MANE Select); coding-DNA position 2996, A replaced by C.
Protein change: p.Glu999Ala; replaces glutamic acid 999 with alanine.
Molecular consequence: missense variant.
Genome position (GRCh38, 1-based): chr4:105,236,938, A>C. VCF-style: chr4-105236938-A-C. GRCh37 (hg19) VCF-style: chr4-106158095-A-C.
Other names: c.2996A>C, p.Glu999Ala (NM_017628.4); short protein forms E999A.
Identifiers: ClinVar variation 2281072 (VCV002281072.3), dbSNP rs747144147, ClinGen allele CA357801200.